The following is an entry in ClinVar:

NM_000051.4(ATM):c.7297del (p.Gln2433fs)

Genes: ATM (ATM serine/threonine kinase; plus strand), C11orf65 (chromosome 11 open reading frame 65; minus strand). Cytogenetic location: 11q22.3.
Variant type: Deletion.
Coding change: c.7297del on transcript NM_000051.4 (MANE Select); coding-DNA position 7297, one base deleted (C; older notation c.7297delC).
Protein change: p.Gln2433fs; shifts the reading frame from glutamine 2433.
Molecular consequence: frameshift variant. On other transcripts: intron variant (2).
Genome position (GRCh38, 1-based): chr11:108,329,228, C deleted. VCF-style (leftmost placement, unchanged base first): chr11-108329227-TC-T. GRCh37 (hg19) VCF-style: chr11-108199954-TC-T.
Other names: c.7297del, p.Gln2433fs (NM_001351834.2); c.641-20157del (NM_001330368.2); c.*38+5992del (NM_001351110.2); short protein forms Q2433fs.
Identifiers: ClinVar variation 1456569 (VCV001456569.8), dbSNP rs2136423753, ClinGen allele CA2573146661.
Genomic context (GRCh38, chr11:108,329,227, plus strand): 5'-CAAGCAAGCTCTCCTGAAAAGAGCCAAAGAGGAAGTAGGTCTCCTTAGGGAACATAAAAT[TC>T]AGACAAACAGGTAACTAGGTTTCTACAAGTGACAATTTTATGTTCACCAGTTAACTGAGT-3'

ClinVar aggregate classification (germline): Pathogenic. Review status: criteria provided, multiple submitters, no conflicts (2 of 4 stars). 2 submissions from 2 submitters: Pathogenic (2). Last evaluated 2024-01-31.

Conditions:
Familial cancer of breast. Also called: BREAST CANCER, FAMILIAL; Hereditary breast cancer; hereditary breast carcinoma. Identifiers: Orphanet 227535, MedGen C0346153, MONDO:0016419, OMIM 114480. Disease mechanism: loss of function.
Ataxia-telangiectasia syndrome (AT). Also called: Ataxia-telangiectasia; LOUIS-BAR SYNDROME; Ataxia-telangiectasia, complementation group D; AT, COMPLEMENTATION GROUP C; ATAXIA-TELANGIECTASIA, COMPLEMENTATION GROUP A; ATAXIA-TELANGIECTASIA, FRESNO VARIANT. Identifiers: Orphanet 100, MedGen C0004135, MONDO:0008840, OMIM 208900.

Submissions (2):

Myriad Genetics, Inc.
Classification: Pathogenic for Familial cancer of breast. Last evaluated: 2024-01-31. Review status: criteria provided, single submitter. Criteria: Myriad Autosomal Dominant, Autosomal Recessive and X-Linked Classification Criteria (2023). Collection method: clinical testing. Allele origin: unknown.
Comment: This variant is considered pathogenic. This variant creates a frameshift predicted to result in premature protein truncation.

Labcorp Genetics (formerly Invitae), Labcorp
Classification: Pathogenic for Ataxia-telangiectasia syndrome. Last evaluated: 2021-06-16. Review status: criteria provided, single submitter. Criteria: Invitae Variant Classification Sherloc (09022015). Collection method: clinical testing. Allele origin: germline.
Comment: For these reasons, this variant has been classified as Pathogenic. This variant has not been reported in the literature in individuals with ATM-related conditions. This variant is not present in population databases (ExAC no frequency). This sequence change creates a premature translational stop signal (p.Gln2433Argfs*7) in the ATM gene. It is expected to result in an absent or disrupted protein product. Loss-of-function variants in ATM are known to be pathogenic (PMID: 23807571, 25614872).

Literature cited by the submitters: PubMed 23807571 (cited by Labcorp Genetics (formerly Invitae), Labcorp); PubMed 25614872 (cited by Labcorp Genetics (formerly Invitae), Labcorp).